The following is an entry in ClinVar:

NM_198578.4(LRRK2):c.4321C>A (p.Arg1441Ser)

Gene: LRRK2 (leucine rich repeat kinase 2; plus strand). Cytogenetic location: 12q12.
Variant type: single nucleotide variant.
Coding change: c.4321C>A on transcript NM_198578.4 (MANE Select); coding-DNA position 4321, C replaced by A.
Protein change: p.Arg1441Ser; replaces arginine 1441 with serine.
Molecular consequence: missense variant.
Genome position (GRCh38, 1-based): chr12:40,310,434, C>A. VCF-style: chr12-40310434-C-A. GRCh37 (hg19) VCF-style: chr12-40704236-C-A.
Other names: short protein forms R1441S.
Identifiers: ClinVar variation 225276 (VCV000225276.11), dbSNP rs33939927, ClinGen allele CA358589.

ClinVar aggregate classification (germline): Likely pathogenic. Review status: criteria provided, single submitter (1 of 4 stars). 2 submissions from 2 submitters: Likely pathogenic (1). 1 of the submissions does not count toward it. Last evaluated 2018-09-13.

Conditions:
Autosomal dominant Parkinson disease 8. Also called: LRRK2-Related Parkinson Disease; Parkinson disease 8; Parkinson disease 8, susceptibility to. Identifiers: Orphanet 411602, MedGen C1846862, MONDO:0011764, OMIM 607060.
Parkinson disease, late-onset (PD). Also called: Hereditary late onset Parkinson disease; PARKINSON DISEASE, LATE-ONSET, SUSCEPTIBILITY TO; Susceptibility to Parkinson's Disease. Identifiers: Orphanet 411602, MedGen C3160718, MONDO:0008199, OMIM 168600.

Submissions (2):

Labcorp Genetics (formerly Invitae), Labcorp
Classification: Likely pathogenic for Autosomal dominant Parkinson disease 8. Last evaluated: 2018-09-13. Review status: criteria provided, single submitter. Criteria: Invitae Variant Classification Sherloc (09022015). Collection method: clinical testing. Allele origin: germline.
Comment: This sequence change replaces arginine with serine at codon 1441 of the LRRK2 protein (p.Arg1441Ser). The arginine residue is moderately conserved and there is a moderate physicochemical difference between arginine and serine. This variant is not present in population databases (ExAC no frequency). This variant has been observed to segregate with Parkinson’s disease in a family (PMID: 27111571). ClinVar contains an entry for this variant (Variation ID: 225276). Algorithms developed to predict the effect of missense changes on protein structure and function are either unavailable or do not agree on the potential impact of this missense change (SIFT: "Tolerated"; PolyPhen-2: "Probably Damaging"; Align-GVGD: "Class C0"). Algorithms developed to predict the effect of sequence changes on RNA splicing suggest that this variant may create or strengthen a splice site, but this prediction has not been confirmed by published transcriptional studies. This variant disrupts the p.Arg1441 amino acid residue in LRRK2. Other variant(s) that disrupt this residue have been observed in affected individuals (PMID: 15541309, 21538529, 24565865), suggesting that it is a clinically significant residue. As a result, variants that disrupt this residue are likely to be causative of disease. In summary, the currently available evidence indicates that the variant is pathogenic, but additional data are needed to prove that conclusively. Therefore, this variant has been classified as Likely Pathogenic.

Zabetian_UW Neurogenetics Lab, University of Washington/VAPSHCS
Classification: Pathogenic for Parkinson disease, late-onset. Last evaluated: 2016-04-14. Review status: no assertion criteria provided. Collection method: research. Allele origin: germline. Inheritance: Autosomal dominant inheritance. Affected: yes. Observed: 3 variant alleles, 3 heterozygotes. Study: Parkinson’s Genetic Research Study (PaGeR). Not counted in ClinVar's aggregate classification.
Comment: It segregates with disease in the family, affects a highly conserved amino acid in which other mutations for the same condition have been found

Literature cited by the submitters: PubMed 27111571 (cited by Labcorp Genetics (formerly Invitae), Labcorp and Zabetian_UW Neurogenetics Lab, University of Washington/VAPSHCS); PubMed 15541309 (cited by Labcorp Genetics (formerly Invitae), Labcorp); PubMed 21538529 (cited by Labcorp Genetics (formerly Invitae), Labcorp); PubMed 24565865 (cited by Labcorp Genetics (formerly Invitae), Labcorp).